The following is an entry in ClinVar:

NM_032242.4(PLXNA1):c.2365G>A (p.Val789Met)

Gene: PLXNA1 (plexin A1; plus strand). Cytogenetic location: 3q21.3.
Variant type: single nucleotide variant.
Coding change: c.2365G>A on transcript NM_032242.4 (MANE Select); coding-DNA position 2365, G replaced by A.
Protein change: p.Val789Met; replaces valine 789 with methionine.
Molecular consequence: missense variant.
Genome position (GRCh38, 1-based): chr3:127,014,071, G>A. VCF-style: chr3-127014071-G-A. GRCh37 (hg19) VCF-style: chr3-126732914-G-A.
Other names: c.2365G>A (NM_032242.3); short protein forms V789M.
Identifiers: ClinVar variation 2415811 (VCV002415811.8), dbSNP rs750054923, ClinGen allele CA2593594.

ClinVar aggregate classification (germline): Uncertain significance. Review status: criteria provided, multiple submitters, no conflicts (2 of 4 stars). 3 submissions from 3 submitters: Uncertain significance (3). Last evaluated 2025-11-26.

Conditions:
PLXNA1-related disorder. Also called: PLXNA1-related condition.

Allele frequency attached by ClinVar (database versions not stated): ExAC 0.00001; TOPMed 0.00003; gnomAD 0.00004.
gnomAD v4.1: 43 of 1,613,910 alleles (0.0027%); highest among the groups gnomAD compares: Middle Eastern, 0.033%; no homozygotes.

Submissions (3):

PreventionGenetics, part of Exact Sciences
Classification: Uncertain significance for PLXNA1-related condition. Last evaluated: 2025-11-26. Review status: criteria provided, single submitter. Criteria: ACMG Guidelines, 2015. Collection method: clinical testing. Allele origin: germline.
Comment: The PLXNA1 c.2365G>A variant is predicted to result in the amino acid substitution p.Val789Met. To our knowledge, this variant has not been reported in the literature. This variant is reported in 0.0031% of alleles in individuals of European (Non-Finnish) descent in gnomAD. At this time, the clinical significance of this variant is uncertain due to the absence of conclusive functional and genetic evidence.

Ambry Genetics
Classification: Uncertain significance. Last evaluated: 2025-01-09. Review status: criteria provided, single submitter. Criteria: Ambry Variant Classification Scheme 2023. Collection method: clinical testing. Allele origin: germline.

Labcorp Genetics (formerly Invitae), Labcorp
Classification: Uncertain significance. Last evaluated: 2022-09-01. Review status: criteria provided, single submitter. Criteria: Invitae Variant Classification Sherloc (09022015). Collection method: clinical testing. Allele origin: germline.
Comment: This sequence change replaces valine, which is neutral and non-polar, with methionine, which is neutral and non-polar, at codon 789 of the PLXNA1 protein (p.Val789Met). This variant is present in population databases (rs750054923, gnomAD 0.003%). This variant has not been reported in the literature in individuals affected with PLXNA1-related conditions. Algorithms developed to predict the effect of missense changes on protein structure and function are either unavailable or do not agree on the potential impact of this missense change (SIFT: "Deleterious"; PolyPhen-2: "Benign"; Align-GVGD: "Class C0"). In summary, the available evidence is currently insufficient to determine the role of this variant in disease. Therefore, it has been classified as a Variant of Uncertain Significance.